The following is an entry in ClinVar:

ClinVar aggregate classification (germline): Pathogenic. Review status: criteria provided, single submitter (1 of 4 stars). 3 submissions from 3 submitters: Pathogenic (1). 2 of the submissions do not count toward it. Last evaluated 2022-11-18.

Conditions:
Disseminated atypical mycobacterial infection. Identifiers: MedGen C0694566.

Allele frequency attached by ClinVar (database versions not stated): gnomAD exomes below 0.00001 and 0.00001; ExAC 0.00001; gnomAD 0.00001.
gnomAD v4.1: 13 of 1,612,550 alleles (0.00081%); highest among the groups gnomAD compares: Non-Finnish European, 0.0011%; no homozygotes.

Submissions (3):

Labcorp Genetics (formerly Invitae), Labcorp
Classification: Pathogenic for Disseminated atypical mycobacterial infection. Last evaluated: 2022-11-18. Review status: criteria provided, single submitter. Criteria: Invitae Variant Classification Sherloc (09022015). Collection method: clinical testing. Allele origin: germline.
Comment: This sequence change affects a donor splice site in intron 3 of the IFNGR1 gene. RNA analysis indicates that disruption of this splice site induces altered splicing and may result in an absent or disrupted protein product. For these reasons, this variant has been classified as Pathogenic. Studies have shown that disruption of this splice site results in skipping of exon 3 and introduces a premature termination codon (PMID: 10480427). The resulting mRNA is expected to undergo nonsense-mediated decay. ClinVar contains an entry for this variant (Variation ID: 1284946). This variant is also known as G to T transition at the 5‚Äö√Ñ‚â§ end of intron 3. Disruption of this splice site has been observed in individual(s) with autosomal recessive mendelian susceptibility to mycobacterial disease (PMID: 10480427). In at least one individual the data is consistent with being in trans (on the opposite chromosome) from a pathogenic variant. This variant is present in population databases (rs532749039, gnomAD 0.0009%).

Clinical Genetics DNA and cytogenetics Diagnostics Lab, Erasmus MC, Erasmus Medical Center
Classification: Pathogenic. Review status: no assertion criteria provided. Collection method: clinical testing. Allele origin: germline. Affected: yes. Study: VKGL Data-share Consensus. Not counted in ClinVar's aggregate classification.

Genome Diagnostics Laboratory, University Medical Center Utrecht
Classification: Pathogenic. Review status: no assertion criteria provided. Collection method: clinical testing. Allele origin: germline. Affected: yes. Study: VKGL Data-share Consensus. Not counted in ClinVar's aggregate classification.

Literature cited by the submitters: PubMed 10480427 (cited by Labcorp Genetics (formerly Invitae), Labcorp).

NM_000416.3(IFNGR1):c.373+1G>T

Gene: IFNGR1 (interferon gamma receptor 1; minus strand). Cytogenetic location: 6q23.3.
Variant type: single nucleotide variant.
Coding change: c.373+1G>T on transcript NM_000416.3 (MANE Select); the canonical splice donor site of the intron after coding-DNA position 373, G replaced by T.
Molecular consequence: splice donor variant.
Genome position (GRCh38, 1-based): chr6:137,206,135, C>A on the plus strand (G>T on the coding strand, the complement: IFNGR1 is on the minus strand). VCF-style: chr6-137206135-C-A. GRCh37 (hg19) VCF-style: chr6-137527272-C-A.
Other names: c.343+1G>T (NM_001363526.1); c.250+1G>T (NM_001363527.1).
Identifiers: ClinVar variation 1284946 (VCV001284946.4), dbSNP rs532749039, ClinGen allele CA4018990.